The following is an entry in ClinVar:

ClinVar aggregate classification (germline): Uncertain significance (1 of 4 stars; one submission).

Conditions:
Joubert syndrome. Also called: CEREBELLOPARENCHYMAL DISORDER IV; JOUBERT-BOLTSHAUSER SYNDROME; Familial aplasia of the vermis. Identifiers: Orphanet 475, MedGen C5979921, MONDO:0018772.
Meckel-Gruber syndrome. Also called: DYSENCEPHALIA SPLANCHNOCYSTICA; GRUBER SYNDROME; Dysencephalia splachnocystica. Identifiers: Orphanet 564, MedGen C0265215, MONDO:0018921.

Submission:

Labcorp Genetics (formerly Invitae), Labcorp
Classification: Uncertain significance for Joubert syndrome; Meckel-Gruber syndrome. Last evaluated: 2021-07-15. Review status: criteria provided, single submitter. Criteria: Invitae Variant Classification Sherloc (09022015). Collection method: clinical testing. Allele origin: germline.
Comment: In summary, the available evidence is currently insufficient to determine the role of this variant in disease. Therefore, it has been classified as a Variant of Uncertain Significance. Algorithms developed to predict the effect of sequence changes on RNA splicing suggest that this variant may create or strengthen a splice site. Advanced modeling of protein sequence and biophysical properties (such as structural, functional, and spatial information, amino acid conservation, physicochemical variation, residue mobility, and thermodynamic stability) performed at Invitae indicates that this missense variant is expected to disrupt TMEM67 protein function. This variant has not been reported in the literature in individuals affected with TMEM67-related conditions. This variant is not present in population databases (ExAC no frequency). This sequence change replaces glutamic acid with valine at codon 915 of the TMEM67 protein (p.Glu915Val). The glutamic acid residue is moderately conserved and there is a moderate physicochemical difference between glutamic acid and valine.

NM_153704.6(TMEM67):c.2744A>T (p.Glu915Val)

Gene: TMEM67 (transmembrane protein 67; plus strand). Cytogenetic location: 8q22.1.
Variant type: single nucleotide variant.
Coding change: c.2744A>T on transcript NM_153704.6 (MANE Select); coding-DNA position 2744, A replaced by T.
Protein change: p.Glu915Val; replaces glutamic acid 915 with valine.
Molecular consequence: missense variant. On other transcripts: non-coding transcript variant (1).
Genome position (GRCh38, 1-based): chr8:93,809,867, A>T. VCF-style: chr8-93809867-A-T. GRCh37 (hg19) VCF-style: chr8-94822095-A-T.
Other names: c.2501A>T, p.Glu834Val (NM_001142301.1); short protein forms E834V, E915V.
Identifiers: ClinVar variation 1367645 (VCV001367645.8), dbSNP rs1450784678, ClinGen allele CA371699771.